The following is an entry in ClinVar:

NM_152703.5(SAMD9L):c.4639C>A (p.Pro1547Thr)

Gene: SAMD9L (sterile alpha motif domain containing 9 like; minus strand). Cytogenetic location: 7q21.2.
Variant type: single nucleotide variant.
Coding change: c.4639C>A on transcript NM_152703.5 (MANE Select); coding-DNA position 4639, C replaced by A.
Protein change: p.Pro1547Thr; replaces proline 1547 with threonine.
Molecular consequence: missense variant.
Genome position (GRCh38, 1-based): chr7:93,131,333, G>T on the plus strand (C>A on the coding strand, the complement: SAMD9L is on the minus strand). VCF-style: chr7-93131333-G-T. GRCh37 (hg19) VCF-style: chr7-92760646-G-T.
Other names: c.4639C>A, p.Pro1547Thr (NM_001303496.3, NM_001303497.3, NM_001303498.3 and 5 more transcripts); short protein forms P1547T.
Identifiers: ClinVar variation 4630176 (VCV004630176.2).

ClinVar aggregate classification (germline): Uncertain significance (1 of 4 stars; one submission).

Conditions:
Inborn genetic diseases. Identifiers: MedGen C0950123, MeSH D030342.

Submission:

Ambry Genetics
Classification: Uncertain significance for Inborn genetic diseases. Last evaluated: 2026-08-30. Review status: criteria provided, single submitter. Criteria: Ambry Variant Classification Scheme 2023. Collection method: clinical testing. Allele origin: germline.
Comment: The p.P1547T variant (also known as c.4639C>A), located in coding exon 1 of the SAMD9L gene, results from a C to A substitution at nucleotide position 4639. The proline at codon 1547 is replaced by threonine, an amino acid with highly similar properties. This amino acid position is conserved. In addition, the in silico prediction for this alteration is inconclusive. Based on the available evidence, the clinical significance of this variant remains unclear.